The following is an entry in ClinVar:

NC_000019.10:g.50376267C>G

Gene: NR1H2 (nuclear receptor subfamily 1 group H member 2; plus strand). Cytogenetic location: 19q13.33.
Variant type: single nucleotide variant.
Genome position: GRCh38 VCF-style: chr19-50376267-C-G. GRCh37 (hg19) VCF-style: chr19-50879524-C-G.
Identifiers: ClinVar variation 1263505 (VCV001263505.4), dbSNP rs17373080, ClinGen allele CA14646359.
Genomic context (GRCh38, chr19:50,376,267, plus strand): 5'-AGCAGCTATAGCTAGGGTTTGGCCGCAGGCTCAGAGAAGCGCATGAATGAGCTAAAGCCA[C>G]AAAGCGCGGGGCTGGAGGTTTGGCTCCCAAGAAGCGAGGAAATGGGTTCGGAACTCTTCT-3'

ClinVar aggregate classification (germline): Benign. Review status: criteria provided, multiple submitters, no conflicts (2 of 4 stars). 2 submissions from 2 submitters: Benign (2). Last evaluated 2021-02-24.

Allele frequency attached by ClinVar (database versions not stated): 1000 Genomes Project 0.26697; 1000 Genomes Project 30x 0.27061; gnomAD 0.29058 and 0.29277; TOPMed 0.29151; gnomAD exomes 0.33333.

Submissions (2):

GeneDx
Classification: Benign. Last evaluated: 2021-02-24. Review status: criteria provided, single submitter. Criteria: GeneDx Variant Classification Process June 2021. Collection method: clinical testing. Allele origin: germline. Affected: yes.
Comment: This variant is associated with the following publications: (PMID: 19292929, 20939869)

Breakthrough Genomics
Classification: Benign. Review status: criteria provided, single submitter. Criteria: ACMG Guidelines, 2015. Collection method: not provided. Allele origin: germline. Inheritance: Unknown mechanism. Affected: yes.